The following is an entry in ClinVar:

NM_001127464.1:c.3577T>A

Gene: ZNF469 (zinc finger protein 469; plus strand).
Variant type: single nucleotide variant.
Identifiers: ClinVar variation 4209134 (VCV004209134.1).

ClinVar aggregate classification (germline): Uncertain significance (1 of 4 stars; one submission).

Conditions:
Cardiovascular phenotype. Identifiers: MedGen CN230736.

Submission:

Ambry Genetics
Classification: Uncertain significance for Cardiovascular phenotype. Last evaluated: 2025-06-15. Review status: criteria provided, single submitter. Criteria: Ambry Variant Classification Scheme 2023. Collection method: clinical testing. Allele origin: germline.
Comment: The p.F1193I variant (also known as c.3577T>A), located in coding exon 2 of the ZNF469 gene, results from a T to A substitution at nucleotide position 3577. The phenylalanine at codon 1193 is replaced by isoleucine, an amino acid with highly similar properties. This amino acid position is conserved. In addition, this alteration is predicted to be tolerated by in silico analysis. Based on the available evidence, the clinical significance of this variant remains unclear.